The following is an entry in ClinVar:

NM_018706.7(DHTKD1):c.1220G>A (p.Arg407His)

Gene: DHTKD1 (dehydrogenase E1 and transketolase domain containing 1; plus strand). Cytogenetic location: 10p14.
Variant type: single nucleotide variant.
Coding change: c.1220G>A on transcript NM_018706.7 (MANE Select); coding-DNA position 1220, G replaced by A.
Protein change: p.Arg407His; replaces arginine 407 with histidine.
Molecular consequence: missense variant.
Genome position (GRCh38, 1-based): chr10:12,094,133, G>A. VCF-style: chr10-12094133-G-A. GRCh37 (hg19) VCF-style: chr10-12136132-G-A.
Other names: short protein forms R407H.
Identifiers: ClinVar variation 1659868 (VCV001659868.9), dbSNP rs201455968, ClinGen allele CA5407784.

ClinVar aggregate classification (germline): Conflicting classifications of pathogenicity. Review status: criteria provided, conflicting classifications (1 of 4 stars). 2 submissions from 2 submitters: Uncertain significance (1); Likely benign (1). Last evaluated 2025-12-31.

Conditions:
2-aminoadipic 2-oxoadipic aciduria (AAKAD). Also called: Aminoadipic aciduria; ALPHA-AMINOADIPIC AND ALPHA-KETOADIPIC ACIDURIA. Identifiers: Orphanet 79154, MedGen C1859817, MONDO:0008774, OMIM 204750.

Allele frequency attached by ClinVar (database versions not stated): gnomAD 0.00021 and 0.00023; gnomAD exomes 0.00035 and 0.00047; ExAC 0.00052.
gnomAD v4.1: 544 of 1,614,106 alleles (0.034%); highest among the groups gnomAD compares: Non-Finnish European, 0.032%; no homozygotes.

Submissions (2):

Labcorp Genetics (formerly Invitae), Labcorp
Classification: Likely benign for 2-aminoadipic 2-oxoadipic aciduria. Last evaluated: 2025-12-31. Review status: criteria provided, single submitter. Criteria: Invitae Variant Classification Sherloc (09022015). Collection method: clinical testing. Allele origin: germline.

ARUP Laboratories, Molecular Genetics and Genomics, ARUP Laboratories
Classification: Uncertain significance. Last evaluated: 2025-04-08. Review status: criteria provided, single submitter. Criteria: ARUP Molecular Germline Variant Investigation Process 2024. Collection method: clinical testing. Allele origin: germline.
Comment: The DHTKD1 c.1220G>A; p.Arg407His variant (rs201455968), to our knowledge, is not reported in the medical literature but is reported in ClinVar (Variation ID: 2178779). This variant is found in the Finnish population with an allele frequency of 0.23% (59/ 25124 alleles) in the Genome Aggregation Database (v2.1.1). Computational analyses predict that this variant is deleterious (REVEL: 0.766). While the relatively high allele frequency makes this variant unlikely to be causative for autosomal dominant CMT, it is uncertain if this variant could be causative for autosomal recessive 2-aminoadipic 2-oxoadipic aciduria. Therefore, the clinical significant of this variant is uncertain at this time.